The following is an entry in ClinVar:

NM_000179.3(MSH6):c.141T>A (p.Asp47Glu)

Gene: MSH6 (mutS homolog 6; plus strand). Cytogenetic location: 2p16.3.
Variant type: single nucleotide variant.
Coding change: c.141T>A on transcript NM_000179.3 (MANE Select); coding-DNA position 141, T replaced by A.
Protein change: p.Asp47Glu; replaces aspartic acid 47 with glutamic acid.
Molecular consequence: missense variant. On other transcripts: non-coding transcript variant (5), intron variant (5), 5 prime UTR variant (7).
Genome position (GRCh38, 1-based): chr2:47,783,374, T>A. VCF-style: chr2-47783374-T-A. GRCh37 (hg19) VCF-style: chr2-48010513-T-A.
Other names: c.-38+143T>A (NM_001406805.1, NM_001406797.1, NM_001406801.1); c.-69+143T>A (NM_001406806.1); c.-280+143T>A (NM_001406815.1); c.141T>A, p.Asp47Glu (NM_001281492.2, NM_001406795.1, NM_001406796.1 and 9 more transcripts); c.-596T>A (NM_001281493.2, NM_001406811.1); c.-188T>A (NM_001406799.1); c.86T>A, p.Met29Lys (NM_001406804.1); c.-788T>A (NM_001406807.1); and 3 more; short protein forms D47E, M29K.
Identifiers: ClinVar variation 2700954 (VCV002700954.3), dbSNP rs1668124415, ClinGen allele CA346734917.

ClinVar aggregate classification (germline): Uncertain significance (1 of 4 stars; one submission).

Conditions:
Hereditary nonpolyposis colorectal neoplasms. Identifiers: MedGen C0009405, MeSH D003123.

Submission:

Labcorp Genetics (formerly Invitae), Labcorp
Classification: Uncertain significance for Hereditary nonpolyposis colorectal neoplasms. Last evaluated: 2023-12-05. Review status: criteria provided, single submitter. Criteria: Invitae Variant Classification Sherloc (09022015). Collection method: clinical testing. Allele origin: germline.
Comment: This sequence change replaces aspartic acid, which is acidic and polar, with glutamic acid, which is acidic and polar, at codon 47 of the MSH6 protein (p.Asp47Glu). This variant is not present in population databases (gnomAD no frequency). This variant has not been reported in the literature in individuals affected with MSH6-related conditions. Advanced modeling of protein sequence and biophysical properties (such as structural, functional, and spatial information, amino acid conservation, physicochemical variation, residue mobility, and thermodynamic stability) performed at Invitae indicates that this missense variant is not expected to disrupt MSH6 protein function with a negative predictive value of 95%. In summary, the available evidence is currently insufficient to determine the role of this variant in disease. Therefore, it has been classified as a Variant of Uncertain Significance.